The following is an entry in ClinVar:

NM_014425.5(INVS):c.772C>T (p.Pro258Ser)

Gene: INVS (inversin; plus strand). Cytogenetic location: 9q31.1.
Variant type: single nucleotide variant.
Coding change: c.772C>T on transcript NM_014425.5 (MANE Select); coding-DNA position 772, C replaced by T.
Protein change: p.Pro258Ser; replaces proline 258 with serine.
Molecular consequence: missense variant. On other transcripts: 5 prime UTR variant (1), non-coding transcript variant (1).
Genome position (GRCh38, 1-based): chr9:100,240,216, C>T. VCF-style: chr9-100240216-C-T. GRCh37 (hg19) VCF-style: chr9-103002498-C-T.
Other names: c.484C>T, p.Pro162Ser (NM_001318381.2); c.-218C>T (NM_001318382.2); short protein forms P162S, P258S.
Identifiers: ClinVar variation 1496348 (VCV001496348.8), dbSNP rs866679782, ClinGen allele CA197186436.

ClinVar aggregate classification (germline): Uncertain significance (1 of 4 stars; one submission).

Conditions:
Nephronophthisis. Also called: Juvenile Nephronophthisis. Identifiers: Orphanet 655, MedGen C0687120, MONDO:0019005, HP:0000090.

Submission:

Labcorp Genetics (formerly Invitae), Labcorp
Classification: Uncertain significance for Nephronophthisis. Last evaluated: 2023-11-28. Review status: criteria provided, single submitter. Criteria: Invitae Variant Classification Sherloc (09022015). Collection method: clinical testing. Allele origin: germline.
Comment: This sequence change replaces proline, which is neutral and non-polar, with serine, which is neutral and polar, at codon 258 of the INVS protein (p.Pro258Ser). This variant is not present in population databases (gnomAD no frequency). This variant has not been reported in the literature in individuals affected with INVS-related conditions. ClinVar contains an entry for this variant (Variation ID: 1496348). An algorithm developed to predict the effect of missense changes on protein structure and function (PolyPhen-2) suggests that this variant is likely to be disruptive. In summary, the available evidence is currently insufficient to determine the role of this variant in disease. Therefore, it has been classified as a Variant of Uncertain Significance.